The following is an entry in ClinVar:

ClinVar aggregate classification (germline): Pathogenic (0 of 4 stars; one submission).

Conditions:
Pyruvate dehydrogenase E1-alpha deficiency (PDHAD). Also called: ATAXIA, INTERMITTENT, WITH PYRUVATE DEHYDROGENASE DEFICIENCY; ATAXIA WITH LACTIC ACIDOSIS I; ATAXIA, INTERMITTENT, WITH ABNORMAL PYRUVATE METABOLISM; Ataxia, intermittent, with pyruvate dehydrogenase, or decarboxylase, deficiency. Identifiers: Orphanet 79243, MedGen C1839413, MONDO:0010717, OMIM 312170.

Submission:

PDHA1 Study Group, University Children’s Hospital, Paracelsus Medical University
Classification: Pathogenic for Pyruvate dehydrogenase E1-alpha deficiency. Last evaluated: 2024-10-15. Review status: no assertion criteria provided. Collection method: research. Allele origin: de novo. Affected: yes. Observed: 1 variant allele.
Comment: The NM_000284.3:c.948_963dup (p.Asp322TyrfsTer23) change is a frameshift variant in PDHA1 gene. This variant is predicted to escape nonsense-mediated decay (NMD). Among them, 1 case had confirmed de novo occurrence. The variant has been reported in 1 published case (PMIDs: 8664900). Last literature search: July 12, 2024. This variant is absent or extremely rare in population-based cohorts in the Genome Aggregation Database (gnomAD). Individuals harboring this variant presented with clinical features compatible with PDHA1-related PDHc deficiency. In summary, this variant meets criteria to be classified as pathogenic (P) for PDHA1-related PDHc deficiency based on the ACMG/AMP criteria applied: PVS1, PS3, PM2, PM7 (last assessment October 15, 2024).

Literature cited by the submitters: PubMed 8664900; DOI 10.1093/brain/awaf430.

NM_000284.4(PDHA1):c.948_963dup (p.Asp322fs)

Gene: PDHA1 (pyruvate dehydrogenase E1 subunit alpha 1; plus strand). Cytogenetic location: Xp22.12.
Variant type: Duplication.
Coding change: c.948_963dup on transcript NM_000284.4 (MANE Select); coding-DNA positions 948 to 963, 16 bases duplicated (TATTATGCTTCTCAAG).
Protein change: p.Asp322fs; shifts the reading frame from aspartic acid 322.
Molecular consequence: frameshift variant.
Genome position (GRCh38, 1-based): chrX:19,358,964-19,358,979, TATTATGCTTCTCAAG duplicated. VCF-style (leftmost placement, unchanged base first): chrX-19358963-C-CTATTATGCTTCTCAAG. GRCh37 (hg19) VCF-style: chrX-19377081-C-CTATTATGCTTCTCAAG.
Other names: c.1062_1077dup, p.Asp360fs (NM_001173454.2); c.969_984dup, p.Asp329fs (NM_001173455.2); c.855_870dup, p.Asp291fs (NM_001173456.2); short protein forms D291fs, D322fs, D329fs, D360fs.
Identifiers: ClinVar variation 4070410 (VCV004070410.1).
Genomic context (GRCh38, chrX:19,358,963, plus strand): 5'-TCCCTCCCCATAGTTACCGTACACGAGAAGAAATTCAGGAAGTAAGAAGTAAGAGTGACC[C>CTATTATGCTTCTCAAG]TATTATGCTTCTCAAGGACAGGATGGTGAACAGCAATCTTGCCAGTGTGGAAGAACTAAA-3'